The following is an entry in ClinVar:

NM_014946.4(SPAST):c.1454C>G (p.Ala485Gly)

Gene: SPAST (spastin; plus strand). Cytogenetic location: 2p22.3.
Variant type: single nucleotide variant.
Coding change: c.1454C>G on transcript NM_014946.4 (MANE Select); coding-DNA position 1454, C replaced by G.
Protein change: p.Ala485Gly; replaces alanine 485 with glycine.
Molecular consequence: missense variant.
Genome position (GRCh38, 1-based): chr2:32,137,149, C>G. VCF-style: chr2-32137149-C-G. GRCh37 (hg19) VCF-style: chr2-32362218-C-G.
Other names: c.1451C>G, p.Ala484Gly (NM_001363823.2); c.1355C>G, p.Ala452Gly (NM_001363875.2); c.1358C>G, p.Ala453Gly (NM_001377959.1, NM_199436.2); short protein forms A452G, A485G, A484G, A453G.
Identifiers: ClinVar variation 4746607 (VCV004746607.2).

ClinVar aggregate classification (germline): Uncertain significance. Review status: criteria provided, multiple submitters, no conflicts (2 of 4 stars). 2 submissions from 2 submitters: Uncertain significance (2). Last evaluated 2026-05-05.

Conditions:
SPAST-related disorder. Also called: SPAST-related condition.
Hereditary spastic paraplegia 4. Also called: Spastic Paraplegia 4; Spastic paraplegia 4, autosomal dominant; Familial spastic paraplegia autosomal dominant 2. Identifiers: Orphanet 100985, MedGen C1866855, MONDO:0008438, OMIM 182601.

Submissions (2):

PreventionGenetics, part of Exact Sciences
Classification: Uncertain significance for SPAST-related condition. Last evaluated: 2026-05-05. Review status: criteria provided, single submitter. Criteria: ACMG Guidelines, 2015. Collection method: clinical testing. Allele origin: germline.
Comment: The SPAST c.1454C>G variant is predicted to result in the amino acid substitution p.Ala485Gly. To our knowledge, this variant has not been reported in the literature or in a large population database (gnomAD), indicating this variant is rare. An alternate missense change at the same amino acid position (p.Ala485Thr) has been reported in an individual affected with spastic paraplegia (Chelban et al. 2017. PubMed ID: 28572275). At this time, the clinical significance of this variant is uncertain due to the absence of conclusive functional and genetic evidence.

Labcorp Genetics (formerly Invitae), Labcorp
Classification: Uncertain significance for Hereditary spastic paraplegia 4. Last evaluated: 2025-06-22. Review status: criteria provided, single submitter. Criteria: Invitae Variant Classification Sherloc (09022015). Collection method: clinical testing. Allele origin: germline.
Comment: This sequence change replaces alanine, which is neutral and non-polar, with glycine, which is neutral and non-polar, at codon 485 of the SPAST protein (p.Ala485Gly). This variant is not present in population databases (gnomAD no frequency). This variant has not been reported in the literature in individuals affected with SPAST-related conditions. Invitae Evidence Modeling of protein sequence and biophysical properties (such as structural, functional, and spatial information, amino acid conservation, physicochemical variation, residue mobility, and thermodynamic stability) indicates that this missense variant is expected to disrupt SPAST protein function with a positive predictive value of 80%. This variant disrupts the p.Ala485 amino acid residue in SPAST. Other variant(s) that disrupt this residue have been observed in individuals with SPAST-related conditions (PMID: 12460147, 28572275; internal data), which suggests that this may be a clinically significant amino acid residue. In summary, the available evidence is currently insufficient to determine the role of this variant in disease. Therefore, it has been classified as a Variant of Uncertain Significance.

Literature cited by the submitters: PubMed 12460147 (cited by Labcorp Genetics (formerly Invitae), Labcorp); PubMed 28572275 (cited by Labcorp Genetics (formerly Invitae), Labcorp).